The following is an entry in ClinVar:

NM_001267550.2(TTN):c.73243G>C (p.Gly24415Arg)

Genes: TTN (titin; minus strand), TTN-AS1 (TTN antisense RNA 1; plus strand). Cytogenetic location: 2q31.2.
Variant type: single nucleotide variant.
Coding change: c.73243G>C on transcript NM_001267550.2 (MANE Select); coding-DNA position 73243, G replaced by C.
Protein change: p.Gly24415Arg; replaces glycine 24415 with arginine.
Molecular consequence: missense variant.
Genome position (GRCh38, 1-based): chr2:178,572,889, C>G on the plus strand (G>C on the coding strand, the complement: TTN is on the minus strand). VCF-style: chr2-178572889-C-G. GRCh37 (hg19) VCF-style: chr2-179437616-C-G.
Other names: c.68320G>C, p.Gly22774Arg (NM_001256850.1); c.46048G>C, p.Gly15350Arg (NM_003319.4); c.65539G>C, p.Gly21847Arg (NM_133378.4); c.46423G>C, p.Gly15475Arg (NM_133432.3); c.46624G>C, p.Gly15542Arg (NM_133437.4); short protein forms G21847R, G24415R, G15542R, G15350R, G15475R, G22774R.
Identifiers: ClinVar variation 191896 (VCV000191896.1), dbSNP rs761774167, ClinGen allele CA237809.

ClinVar aggregate classification (germline): Uncertain significance (1 of 4 stars; one submission).

Allele frequency attached by ClinVar (database versions not stated): gnomAD exomes below 0.00001; ExAC 0.00001.
gnomAD v4.1: 1 of 1,613,352 alleles (0.000062%); highest among the groups gnomAD compares: Non-Finnish European, 0.000085%; no homozygotes.

Submission:

Biesecker Lab/Clinical Genomics Section, National Institutes of Health
Classification: Uncertain significance. Last evaluated: 2013-06-24. Review status: criteria provided, single submitter. Criteria: Ng et al. (Circ Cardiovasc Genet. 2013). Collection method: research. Allele origin: unknown. Observed: 1 variant allele. Study: ClinSeq.
Comment: The study set was not selected for affection status in relation to any cancer. Pathogenicity categories were based on literature curation. See Pubmed ID:23861362 for details.

Medical sequencing